The following is an entry in ClinVar:

NM_206933.4(USH2A):c.9401G>A (p.Arg3134Gln)

Gene: USH2A (usherin; minus strand). Cytogenetic location: 1q41.
Variant type: single nucleotide variant.
Coding change: c.9401G>A on transcript NM_206933.4 (MANE Select); coding-DNA position 9401, G replaced by A.
Protein change: p.Arg3134Gln; replaces arginine 3134 with glutamine.
Molecular consequence: missense variant.
Genome position (GRCh38, 1-based): chr1:215,817,166, C>T on the plus strand (G>A on the coding strand, the complement: USH2A is on the minus strand). VCF-style: chr1-215817166-C-T. GRCh37 (hg19) VCF-style: chr1-215990508-C-T.
Other names: short protein forms R3134Q.
Identifiers: ClinVar variation 197607 (VCV000197607.23), dbSNP rs780020144, ClinGen allele CA245859.

ClinVar aggregate classification (germline): Conflicting classifications of pathogenicity. Review status: criteria provided, conflicting classifications (1 of 4 stars). 7 submissions from 7 submitters: Uncertain significance (4); Likely benign (2). 1 of the submissions does not count toward it. Last evaluated 2026-07-01.

Conditions:
USH2A-related disorder. Also called: USH2A-related condition; USH2A-related disorders. Identifiers: MedGen CN239332.

Allele frequency attached by ClinVar (database versions not stated): gnomAD 0.00008 and 0.00009; TOPMed 0.00013; ExAC 0.00022.
gnomAD v4.1: 99 of 1,612,074 alleles (0.0061%); highest among the groups gnomAD compares: Admixed American, 0.12%; no homozygotes.

Submissions (7):

CeGaT Center for Human Genetics Tuebingen
Classification: Likely benign. Last evaluated: 2026-07-01. Review status: criteria provided, single submitter. Criteria: CeGaT Center For Human Genetics Tuebingen Variant Classification Criteria Version 2. Collection method: clinical testing. Allele origin: germline. Affected: yes. Observed: 1 variant allele.
Comment: USH2A: BP4

Labcorp Genetics (formerly Invitae), Labcorp
Classification: Likely benign. Last evaluated: 2026-02-02. Review status: criteria provided, single submitter. Criteria: Invitae Variant Classification Sherloc (09022015). Collection method: clinical testing. Allele origin: germline.

Women's Health and Genetics/Laboratory Corporation of America, LabCorp
Classification: Uncertain significance. Last evaluated: 2024-09-16. Review status: criteria provided, single submitter. Criteria: LabCorp Variant Classification Summary - May 2015. Collection method: clinical testing. Allele origin: germline.
Comment: Variant summary: USH2A c.9401G>A (p.Arg3134Gln) results in a conservative amino acid change located in the Fibronectin type II domain (IPR003961) of the encoded protein sequence. Five of five in-silico tools predict a benign effect of the variant on protein function. The variant allele was found at a frequency of 0.0003 in 249836 control chromosomes, predominantly at a frequency of 0.0016 within the Latino subpopulation in the gnomAD database. This frequency is not significantly higher than estimated for a pathogenic variant in USH2A causing Usher Syndrome (0.0003 vs 0.011), allowing no conclusion about variant significance. c.9401G>A has been reported in the literature in at-least one individual affected with sporadic hearing loss, without strong evidence for causality (Gu_2014). These report(s) do not provide unequivocal conclusions about association of the variant with Usher Syndrome. To our knowledge, no experimental evidence demonstrating an impact on protein function has been reported. The following publication has been ascertained in the context of this evaluation (PMID: 24853665). ClinVar contains an entry for this variant (Variation ID: 197607). Based on the evidence outlined above, the variant was classified as uncertain significance.

Blueprint Genetics
Classification: Uncertain significance. Last evaluated: 2024-07-24. Review status: criteria provided, single submitter. Criteria: ACMG Guidelines, 2015. Collection method: clinical testing. Allele origin: germline.

Laboratory for Molecular Medicine, Mass General Brigham Personalized Medicine
Classification: Uncertain significance. Last evaluated: 2017-11-20. Review status: criteria provided, single submitter. Criteria: LMM Criteria. Collection method: clinical testing. Allele origin: germline. Observed: 1 variant allele.
Comment: Variant classified as Uncertain Significance - Favor Benign. The p.Arg3134 varia nt in USH2A has not been previously reported in individuals with hearing loss or Usher syndrome, but has been identified in 0.16% (56/34328) of Latino chromosom es by the Genome Aggregation Database (gnomAD ; dbSNP rs780020144). Although this variant has been seen in the general populat ion, its frequency is not high enough to rule out a pathogenic role. Computation al prediction tools and conservation analysis suggest that the p.Arg3134Gln vari ant may not impact the protein, though this information is not predictive enough to rule out pathogenicity. In summary, while the clinical significance of the p .Arg3134Gln variant is uncertain, these data suggest that it is more likely to b e benign. ACMG/AMP Criteria applied: BP4.

Eurofins Ntd Llc (ga)
Classification: Uncertain significance. Last evaluated: 2015-05-29. Review status: criteria provided, single submitter. Criteria: EGL Classification Definitions 2015. Collection method: clinical testing. Allele origin: germline. Observed: 1 variant allele, 1 heterozygote.

PreventionGenetics, part of Exact Sciences
Classification: Likely benign for USH2A-related condition. Last evaluated: 2024-08-16. Review status: no assertion criteria provided. Collection method: clinical testing. Allele origin: germline. Not counted in ClinVar's aggregate classification.
Comment: This variant is classified as likely benign based on ACMG/AMP sequence variant interpretation guidelines (Richards et al. 2015 PMID: 25741868, with internal and published modifications).

Literature cited by the submitters: PubMed 24853665 (cited by Women's Health and Genetics/Laboratory Corporation of America, LabCorp).